The following is an entry in ClinVar:

ClinVar aggregate classification (germline): Uncertain significance. Review status: criteria provided, multiple submitters, no conflicts (2 of 4 stars). 2 submissions from 2 submitters: Uncertain significance (2). Last evaluated 2023-06-14.

Conditions:
Charcot-Marie-Tooth disease axonal type 2U. Also called: CHARCOT-MARIE-TOOTH NEUROPATHY, TYPE 2U; CHARCOT-MARIE-TOOTH DISEASE, AXONAL, AUTOSOMAL DOMINANT, TYPE 2U. Identifiers: Orphanet 397735, MedGen C4084821, MONDO:0014566, OMIM 616280.
Severe early-onset pulmonary alveolar proteinosis due to MARS deficiency. Also called: PULMONARY ALVEOLAR PROTEINOSIS, REUNION ISLAND; Interstitial lung and liver disease. Identifiers: Orphanet 440427, MedGen C4225400, MONDO:0014206, OMIM 615486.

Allele frequency attached by ClinVar (database versions not stated): gnomAD exomes below 0.00001; gnomAD 0.00001; TOPMed 0.00002.
gnomAD v4.1: 4 of 1,614,092 alleles (0.00025%); highest among the groups gnomAD compares: African/African-American, 0.0053%; no homozygotes.

Submissions (2):

Ambry Genetics
Classification: Uncertain significance. Last evaluated: 2023-06-14. Review status: criteria provided, single submitter. Criteria: Ambry Variant Classification Scheme 2023. Collection method: clinical testing. Allele origin: germline.

Labcorp Genetics (formerly Invitae), Labcorp
Classification: Uncertain significance for Charcot-Marie-Tooth disease axonal type 2U; Severe early-onset pulmonary alveolar proteinosis due to MARS deficiency. Last evaluated: 2022-06-10. Review status: criteria provided, single submitter. Criteria: Invitae Variant Classification Sherloc (09022015). Collection method: clinical testing. Allele origin: germline.
Comment: This variant has not been reported in the literature in individuals affected with MARS-related conditions. In summary, the available evidence is currently insufficient to determine the role of this variant in disease. Therefore, it has been classified as a Variant of Uncertain Significance. Algorithms developed to predict the effect of missense changes on protein structure and function output the following: SIFT: "Tolerated"; PolyPhen-2: "Benign"; Align-GVGD: "Class C0". The threonine amino acid residue is found in multiple mammalian species, which suggests that this missense change does not adversely affect protein function. This variant is not present in population databases (gnomAD no frequency). This sequence change replaces isoleucine, which is neutral and non-polar, with threonine, which is neutral and polar, at codon 338 of the MARS protein (p.Ile338Thr).

NM_004990.4(MARS1):c.1013T>C (p.Ile338Thr)

Gene: MARS1 (methionyl-tRNA synthetase 1; plus strand). Cytogenetic location: 12q13.3.
Variant type: single nucleotide variant.
Coding change: c.1013T>C on transcript NM_004990.4 (MANE Select); coding-DNA position 1013, T replaced by C.
Protein change: p.Ile338Thr; replaces isoleucine 338 with threonine.
Molecular consequence: missense variant.
Genome position (GRCh38, 1-based): chr12:57,498,545, T>C. VCF-style: chr12-57498545-T-C. GRCh37 (hg19) VCF-style: chr12-57892328-T-C.
Other names: c.1013T>C (NM_004990.3); short protein forms I338T.
Identifiers: ClinVar variation 2045287 (VCV002045287.6), dbSNP rs1017492859, ClinGen allele CA237757261.